The following is an entry in ClinVar:

NM_001386298.1(CIC):c.3067T>C (p.Leu1023=)

Gene: CIC (capicua transcriptional repressor; plus strand). Cytogenetic location: 19q13.2.
Variant type: single nucleotide variant.
Coding change: c.3067T>C on transcript NM_001386298.1 (MANE Select); coding-DNA position 3067, T replaced by C.
Protein change: p.Leu1023=; no amino-acid change (leucine 1023 retained).
Molecular consequence: synonymous variant.
Genome position (GRCh38, 1-based): chr19:42,287,128, T>C. VCF-style: chr19-42287128-T-C. GRCh37 (hg19) VCF-style: chr19-42791280-T-C.
Other names: c.3067T>C, p.Leu1023= (NM_001304815.2, NM_001379480.1, NM_001379482.1); c.340T>C, p.Leu114= (NM_001379484.1, NM_001379485.1, NM_015125.5).
Identifiers: ClinVar variation 1337828 (VCV001337828.30), dbSNP rs774513721, ClinGen allele CA9471687.

ClinVar aggregate classification (germline): Likely benign. Review status: criteria provided, multiple submitters, no conflicts (2 of 4 stars). 4 submissions from 4 submitters: Likely benign (3). 1 of the submissions does not count toward it. Last evaluated 2024-07-01.

Conditions:
CIC-related disorder. Also called: CIC-related condition.

Allele frequency attached by ClinVar (database versions not stated): TOPMed below 0.00001; ExAC 0.00002; gnomAD exomes 0.00002 and 0.00003.
gnomAD v4.1: 51 of 1,613,426 alleles (0.0032%); highest among the groups gnomAD compares: Middle Eastern, 0.25%; no homozygotes.

Submissions (4):

CeGaT Center for Human Genetics Tuebingen
Classification: Likely benign. Last evaluated: 2024-07-01. Review status: criteria provided, single submitter. Criteria: CeGaT Center For Human Genetics Tuebingen Variant Classification Criteria Version 2. Collection method: clinical testing. Allele origin: germline. Affected: yes. Observed: 2 variant alleles.
Comment: CIC: BP4, BP7

Genetic Services Laboratory, University of Chicago
Classification: Likely benign. Last evaluated: 2021-03-01. Review status: criteria provided, single submitter. Criteria: ACMG Guidelines, 2015. Collection method: clinical testing. Allele origin: germline. Affected: no.

Breakthrough Genomics
Classification: Likely benign. Review status: criteria provided, single submitter. Criteria: ACMG Guidelines, 2015. Collection method: not provided. Allele origin: germline. Inheritance: Autosomal dominant inheritance. Affected: yes.

PreventionGenetics, part of Exact Sciences
Classification: Likely benign for CIC-related condition. Last evaluated: 2022-04-06. Review status: no assertion criteria provided. Collection method: clinical testing. Allele origin: germline. Not counted in ClinVar's aggregate classification.
Comment: This variant is classified as likely benign based on ACMG/AMP sequence variant interpretation guidelines (Richards et al. 2015 PMID: 25741868, with internal and published modifications).